The following is an entry in ClinVar:

ClinVar aggregate classification (germline): Uncertain significance (1 of 4 stars; one submission).

Conditions:
EGFR-related lung cancer (EGFR). Identifiers: MedGen CN130014.

Submission:

Labcorp Genetics (formerly Invitae), Labcorp
Classification: Uncertain significance for EGFR-related lung cancer. Last evaluated: 2019-08-18. Review status: criteria provided, single submitter. Criteria: Invitae Variant Classification Sherloc (09022015). Collection method: clinical testing. Allele origin: germline.
Comment: In summary, the available evidence is currently insufficient to determine the role of this variant in disease. Therefore, it has been classified as a Variant of Uncertain Significance. Algorithms developed to predict the effect of missense changes on protein structure and function are either unavailable or do not agree on the potential impact of this missense change (SIFT: "Tolerated"; PolyPhen-2: "Possibly Damaging"; Align-GVGD: "Class C0"). This variant has not been reported in the literature in individuals with EGFR-related conditions. This variant is not present in population databases (ExAC no frequency). This sequence change replaces proline with alanine at codon 546 of the EGFR protein (p.Pro546Ala). The proline residue is moderately conserved and there is a small physicochemical difference between proline and alanine.

NM_005228.5(EGFR):c.1636C>G (p.Pro546Ala)

Gene: EGFR (epidermal growth factor receptor; plus strand). Cytogenetic location: 7p11.2.
Variant type: single nucleotide variant.
Coding change: c.1636C>G on transcript NM_005228.5 (MANE Select); coding-DNA position 1636, C replaced by G.
Protein change: p.Pro546Ala; replaces proline 546 with alanine.
Molecular consequence: missense variant.
Genome position (GRCh38, 1-based): chr7:55,163,737, C>G. VCF-style: chr7-55163737-C-G. GRCh37 (hg19) VCF-style: chr7-55231430-C-G.
Other names: c.1636C>G, p.Pro546Ala (NM_201282.2, NM_201284.2, NM_001346898.2); c.1501C>G, p.Pro501Ala (NM_001346897.2, NM_001346899.2); c.1477C>G, p.Pro493Ala (NM_001346900.2); c.835C>G, p.Pro279Ala (NM_001346941.2); short protein forms P279A, P493A, P546A, P501A.
Identifiers: ClinVar variation 961155 (VCV000961155.9), dbSNP rs1057519830, ClinGen allele CA367580406.